The following is an entry in ClinVar:

ClinVar aggregate classification (germline): Conflicting classifications of pathogenicity. Review status: criteria provided, conflicting classifications (1 of 4 stars). 4 submissions from 4 submitters: Uncertain significance (1); Likely benign (3). Last evaluated 2026-01-31.

Allele frequency attached by ClinVar (database versions not stated): gnomAD exomes 0.00003 and 0.00004; TOPMed 0.00004; ExAC 0.00006; gnomAD 0.00006.
gnomAD v4.1: 48 of 1,613,926 alleles (0.003%); highest among the groups gnomAD compares: Non-Finnish European, 0.0039%; no homozygotes.

Submissions (4):

Labcorp Genetics (formerly Invitae), Labcorp
Classification: Likely benign. Last evaluated: 2026-01-31. Review status: criteria provided, single submitter. Criteria: Invitae Variant Classification Sherloc (09022015). Collection method: clinical testing. Allele origin: germline.

CeGaT Center for Human Genetics Tuebingen
Classification: Likely benign. Last evaluated: 2025-07-01. Review status: criteria provided, single submitter. Criteria: CeGaT Center For Human Genetics Tuebingen Variant Classification Criteria Version 2. Collection method: clinical testing. Allele origin: germline. Affected: yes. Observed: 2 variant alleles.
Comment: SCN3A: BP4, BP7

Blueprint Genetics
Classification: Likely benign. Last evaluated: 2024-04-05. Review status: criteria provided, single submitter. Criteria: ACMG Guidelines, 2015. Collection method: clinical testing. Allele origin: germline.

Eurofins Ntd Llc (ga)
Classification: Uncertain significance. Last evaluated: 2015-11-13. Review status: criteria provided, single submitter. Criteria: EGL Classification Definitions 2015. Collection method: clinical testing. Allele origin: germline. Observed: 1 variant allele, 1 heterozygote.

NM_006922.4(SCN3A):c.5394A>G (p.Glu1798=)

Gene: SCN3A (sodium voltage-gated channel alpha subunit 3; minus strand). Cytogenetic location: 2q24.3.
Variant type: single nucleotide variant.
Coding change: c.5394A>G on transcript NM_006922.4 (MANE Select); coding-DNA position 5394, A replaced by G.
Protein change: p.Glu1798=; no amino-acid change (glutamic acid 1798 retained).
Molecular consequence: synonymous variant.
Genome position (GRCh38, 1-based): chr2:165,090,759, T>C on the plus strand (A>G on the coding strand, the complement: SCN3A is on the minus strand). VCF-style: chr2-165090759-T-C. GRCh37 (hg19) VCF-style: chr2-165947269-T-C.
Other names: c.5247A>G, p.Glu1749= (NM_001081676.2, NM_001081677.2).
Identifiers: ClinVar variation 284177 (VCV000284177.37), dbSNP rs746501220, ClinGen allele CA1938414.
Genomic context (GRCh38, chr2:165,090,759, plus strand): 5'-AGCTGCAAAATCAGAGAGTTTAGAGAACTCTATAAACTGGGTCGCATCGGGATCAAACTT[T>C]TCCCAAACCTCATAGAACATCTCAAAGTCATCCTCACTCAGGGGCTCTGCACTTTCTTCA-3'
Protein context (NP_008853.3, residues 1788-1808): DDFEMFYEVW[Glu1798=]KFDPDATQFI